The following is an entry in ClinVar:

ClinVar aggregate classification (germline): Pathogenic (1 of 4 stars; one submission).

Conditions:
MYO6-related disorder. Also called: MYO6-related condition; MYO6-related disorders.

Submission:

Women's Health and Genetics/Laboratory Corporation of America, LabCorp
Classification: Pathogenic for MYO6-Related Disorders. Last evaluated: 2026-06-25. Review status: criteria provided, single submitter. Criteria: LabCorp Variant Classification Summary - May 2015. Collection method: clinical testing. Allele origin: germline.
Comment: Variant summary: MYO6 c.3085delC (p.Gln1029ArgfsX16) results in a premature termination codon, predicted to cause a truncation of the encoded protein or absence of the protein due to nonsense mediated decay, which are commonly known mechanisms for disease. Loss-of-function variants in this gene are known to be pathogenic. The variant was absent in 251156 control chromosomes. To our knowledge, no occurrence of c.3085delC in individuals affected with MYO6-related conditions and no experimental evidence demonstrating its impact on protein function have been reported. No submitters have cited clinical-significance assessments for this variant to ClinVar. Based on the evidence outlined above, the variant was classified as pathogenic.

NM_004999.4(MYO6):c.3085del (p.Gln1029fs)

Gene: MYO6 (myosin VI; plus strand). Cytogenetic location: 6q14.1.
Variant type: Deletion.
Coding change: c.3085del on transcript NM_004999.4 (MANE Select); coding-DNA position 3085, one base deleted (C; older notation c.3085delC).
Protein change: p.Gln1029fs; shifts the reading frame from glutamine 1029.
Molecular consequence: frameshift variant. On other transcripts: non-coding transcript variant (1).
Genome position (GRCh38, 1-based): chr6:75,892,668, C deleted; the last of 3 consecutive C bases (chr6:75,892,666-75,892,668); deleting any one gives the same sequence. VCF-style (leftmost placement, unchanged base first): chr6-75892665-GC-G. GRCh37 (hg19) VCF-style: chr6-76602382-GC-G.
Other names: c.3085del, p.Gln1029fs (NM_001300899.2, NM_001368136.1, NM_001368137.1 and 2 more transcripts); c.3070del, p.Gln1024fs (NM_001368138.1); c.3085delC (NM_004999.4); short protein forms Q1024fs, Q1029fs.
Identifiers: ClinVar variation 4887689 (VCV004887689.1).
Genomic context (GRCh38, chr6:75,892,665, plus strand): 5'-AGGGACCGGGAGCTGGCCCTGAGGATTGCCCAGAGTGAAGCCGAGCTCATCAGTGATGAG[GC>G]CCAGGCCGACCTGGCGCTGCGGAGGTACTGGGGCCCCTGGGTGGGGTATAGCGCTCTCTC-3'